The following is an entry in ClinVar:

NM_023036.6(DNAI2):c.127del (p.Glu43fs)

Gene: DNAI2 (dynein axonemal intermediate chain 2; plus strand). Cytogenetic location: 17q25.1.
Variant type: Deletion.
Coding change: c.127del on transcript NM_023036.6 (MANE Select); coding-DNA position 127, one base deleted (G; older notation c.127delG).
Protein change: p.Glu43fs; shifts the reading frame from glutamic acid 43.
Molecular consequence: frameshift variant. On other transcripts: non-coding transcript variant (1).
Genome position (GRCh38, 1-based): chr17:74,281,944, G deleted; the last of 2 consecutive G bases (chr17:74,281,943-74,281,944); deleting either gives the same sequence. VCF-style (leftmost placement, unchanged base first): chr17-74281942-TG-T. GRCh37 (hg19) VCF-style: chr17-72278081-TG-T.
Other names: c.127del, p.Glu43fs (NM_001172810.3, NM_001353167.2); short protein forms E43fs.
Identifiers: ClinVar variation 5019335 (VCV005019335.2).

ClinVar aggregate classification (germline): Likely pathogenic (1 of 4 stars; one submission).

Conditions:
Primary ciliary dyskinesia 9. Also called: CILIARY DYSKINESIA, PRIMARY, 9, WITH OR WITHOUT SITUS INVERSUS. Identifiers: Orphanet 244, MedGen C2676235, MONDO:0012906, OMIM 612444.

Submission:

Juno Genomics, Hangzhou Juno Genomics, Inc
Classification: Likely pathogenic for Primary ciliary dyskinesia 9. Review status: criteria provided, single submitter. Criteria: ACMG Guidelines, 2015. Collection method: clinical testing. Allele origin: germline.
Comment: Absent from controls (or at extremely low frequency if recessive) in Genome Aggregation Database.;Null variant in a gene where loss of function (LOF) is a known mechanism of disease.